The following is an entry in ClinVar:

NM_003554.2(OR1E2):c.154G>A (p.Asp52Asn)

Gene: OR1E2 (olfactory receptor family 1 subfamily E member 2; minus strand). Cytogenetic location: 17p13.2.
Variant type: single nucleotide variant.
Coding change: c.154G>A on transcript NM_003554.2 (MANE Select); coding-DNA position 154, G replaced by A.
Protein change: p.Asp52Asn; replaces aspartic acid 52 with asparagine.
Molecular consequence: missense variant.
Genome position (GRCh38, 1-based): chr17:3,433,688, C>T on the plus strand (G>A on the coding strand, the complement: OR1E2 is on the minus strand). VCF-style: chr17-3433688-C-T. GRCh37 (hg19) VCF-style: chr17-3336982-C-T.
Other names: short protein forms D52N.
Identifiers: ClinVar variation 4839146 (VCV004839146.1).

ClinVar aggregate classification (germline): Uncertain significance (1 of 4 stars; one submission).

Submission:

Ambry Genetics
Classification: Uncertain significance. Last evaluated: 2026-01-09. Review status: criteria provided, single submitter. Criteria: Ambry Variant Classification Scheme 2023. Collection method: clinical testing. Allele origin: germline.
Comment: The c.154G>A (p.D52N) alteration is located in exon 1 (coding exon 1) of the OR1E2 gene. This alteration results from a G to A substitution at nucleotide position 154, causing the aspartic acid (D) at amino acid position 52 to be replaced by an asparagine (N). Based on data from gnomAD, the A allele has an overall frequency of 0.001% (2/251434) total alleles studied. The highest observed frequency was 0.011% (2/18394) of East Asian alleles. Based on insufficient or conflicting evidence, the clinical significance of this alteration remains unclear.